The following is an entry in ClinVar:

NM_001458.5(FLNC):c.3428C>T (p.Ser1143Leu)

Gene: FLNC (filamin C; plus strand). Cytogenetic location: 7q32.1.
Variant type: single nucleotide variant.
Coding change: c.3428C>T on transcript NM_001458.5 (MANE Select); coding-DNA position 3428, C replaced by T.
Protein change: p.Ser1143Leu; replaces serine 1143 with leucine.
Molecular consequence: missense variant.
Genome position (GRCh38, 1-based): chr7:128,844,893, C>T. VCF-style: chr7-128844893-C-T. GRCh37 (hg19) VCF-style: chr7-128484947-C-T.
Other names: c.3428C>T, p.Ser1143Leu (NM_001127487.2); short protein forms S1143L.
Identifiers: ClinVar variation 472038 (VCV000472038.35), dbSNP rs756192123, ClinGen allele CA4475037.

ClinVar aggregate classification (germline): Uncertain significance. Review status: criteria provided, multiple submitters, no conflicts (2 of 4 stars). 3 submissions from 3 submitters: Uncertain significance (3). Last evaluated 2026-05-01.

Conditions:
Hypertrophic cardiomyopathy 26. Also called: Cardiomyopathy, familial hypertrophic, 26. Identifiers: Orphanet 75249, MedGen C4310749, MONDO:0014883, OMIM 617047.
Myofibrillar myopathy 5. Also called: Filaminopathy (type); FILAMINOPATHY, AUTOSOMAL DOMINANT. Identifiers: Orphanet 171445, MedGen C1836050, MONDO:0012289, OMIM 609524.
Distal myopathy with posterior leg and anterior hand involvement. Also called: WILLIAMS DISTAL MYOPATHY. Identifiers: Orphanet 63273, MedGen C3279722, MONDO:0013550, OMIM 614065.
Cardiovascular phenotype. Identifiers: MedGen CN230736.

Allele frequency attached by ClinVar (database versions not stated): gnomAD exomes below 0.00001 and 0.00001; TOPMed 0.00001; ExAC 0.00002.
gnomAD v4.1: 6 of 1,613,968 alleles (0.00037%); highest among the groups gnomAD compares: Admixed American, 0.0017%; no homozygotes.

Submissions (3):

Ambry Genetics
Classification: Uncertain significance for Cardiovascular phenotype. Last evaluated: 2026-05-01. Review status: criteria provided, single submitter. Criteria: Ambry Variant Classification Scheme 2023. Collection method: clinical testing. Allele origin: germline.
Comment: The p.S1143L variant (also known as c.3428C>T), located in coding exon 21 of the FLNC gene, results from a C to T substitution at nucleotide position 3428. The serine at codon 1143 is replaced by leucine, an amino acid with dissimilar properties. This amino acid position is highly conserved in available vertebrate species. In addition, this alteration is predicted to be deleterious by in silico analysis. Based on the available evidence, the clinical significance of this variant remains unclear.

Labcorp Genetics (formerly Invitae), Labcorp
Classification: Uncertain significance for Distal myopathy with posterior leg and anterior hand involvement; Myofibrillar myopathy 5; Hypertrophic cardiomyopathy 26. Last evaluated: 2026-01-19. Review status: criteria provided, single submitter. Criteria: Invitae Variant Classification Sherloc (09022015). Collection method: clinical testing. Allele origin: germline.
Comment: This sequence change replaces serine, which is neutral and polar, with leucine, which is neutral and non-polar, at codon 1143 of the FLNC protein (p.Ser1143Leu). This variant is present in population databases (rs756192123, gnomAD 0.002%). This missense change has been observed in individual(s) with dilated cardiomyopathy (internal data). ClinVar contains an entry for this variant (Variation ID: 472038). Invitae Evidence Modeling of protein sequence and biophysical properties (such as structural, functional, and spatial information, amino acid conservation, physicochemical variation, residue mobility, and thermodynamic stability) has been performed for this missense variant. However, the output from this modeling did not meet the statistical confidence thresholds required to predict the impact of this variant on FLNC protein function. In summary, the available evidence is currently insufficient to determine the role of this variant in disease. Therefore, it has been classified as a Variant of Uncertain Significance.

CeGaT Center for Human Genetics Tuebingen
Classification: Uncertain significance. Last evaluated: 2023-11-01. Review status: criteria provided, single submitter. Criteria: CeGaT Center For Human Genetics Tuebingen Variant Classification Criteria Version 2. Collection method: clinical testing. Allele origin: germline. Affected: yes. Observed: 1 variant allele.
Comment: FLNC: PM2